The following is an entry in ClinVar:

NM_001267550.2(TTN):c.12577C>T (p.Gln4193Ter)

Gene: TTN (titin; minus strand). Cytogenetic location: 2q31.2.
Variant type: single nucleotide variant.
Coding change: c.12577C>T on transcript NM_001267550.2 (MANE Select); coding-DNA position 12577, C replaced by T.
Protein change: p.Gln4193Ter; replaces glutamine 4193 with a stop codon.
Molecular consequence: nonsense. On other transcripts: intron variant (1).
Genome position (GRCh38, 1-based): chr2:178,740,656, G>A on the plus strand (C>T on the coding strand, the complement: TTN is on the minus strand). VCF-style: chr2-178740656-G-A. GRCh37 (hg19) VCF-style: chr2-179605383-G-A.
Other names: c.11626C>T, p.Gln3876Ter (NM_001256850.1); c.11488C>T, p.Gln3830Ter (NM_003319.4); c.11863C>T, p.Gln3955Ter (NM_133432.3); c.12064C>T, p.Gln4022Ter (NM_133437.4); c.10361-2296C>T (NM_133378.4); short protein forms Q3830*, Q3876*, Q3955*, Q4022*, Q4193*.
Identifiers: ClinVar variation 4531798 (VCV004531798.1).

ClinVar aggregate classification (germline): Likely pathogenic (1 of 4 stars; one submission).

Conditions:
Dilated cardiomyopathy 1G (CMD1G). Identifiers: Orphanet 154, MedGen C1858763, MONDO:0011400, OMIM 604145.

Submission:

Victorian Clinical Genetics Services, Murdoch Childrens Research Institute
Classification: Likely pathogenic for Dilated cardiomyopathy 1G. Last evaluated: 2025-04-29. Review status: criteria provided, single submitter. Criteria: ACMG Guidelines, 2015. Collection method: clinical testing. Allele origin: germline. Affected: yes.
Comment: This variant is classified as Likely pathogenic. Evidence in support of pathogenic classification: Variant is predicted to cause nonsense-mediated decay (NMD) and loss of protein (premature termination codon is located at least 54 nucleotides upstream of the final exon-exon junction); Variant is absent from gnomAD (v2, v3 and v4); This variant has limited previous evidence of pathogenicity in an unrelated individual(s). It has been reported in one individual with dilated cardiomyopathy (PMID: 39472908) - Other NMD-predicted variants comparable to the one identified in this case have strong previous evidence for pathogenicity (ClinVar). Additional information: This variant is heterozygous; This gene is associated with both recessive and dominant disease (OMIM); No published functional evidence has been identified for this variant; Variant is located in the annotated I-band and the exon has a PSI score of 100% (PMID: 25589632); Loss of function is a known mechanism of disease in this gene. In addition, dominant negative is also a suggested mechanism (PMID: 25589632); The condition associated with this gene has incomplete penetrance. Variants in this gene that result in a premature termination codon (PTC) are known to have reduced penetrance in DCM (PMID: 25589632); Inheritance information for this variant is not currently available in this individual.

Literature cited by the submitters: PubMed 39472908; PubMed 25589632.